The following is an entry in ClinVar:

NM_000492.4(CFTR):c.4141T>C (p.Tyr1381His)

Gene: CFTR (CF transmembrane conductance regulator; plus strand). Cytogenetic location: 7q31.2.
Variant type: single nucleotide variant.
Coding change: c.4141T>C on transcript NM_000492.4 (MANE Select); coding-DNA position 4141, T replaced by C.
Protein change: p.Tyr1381His; replaces tyrosine 1381 with histidine.
Molecular consequence: missense variant.
Genome position (GRCh38, 1-based): chr7:117,665,463, T>C. VCF-style: chr7-117665463-T-C. GRCh37 (hg19) VCF-style: chr7-117305517-T-C.
Other names: short protein forms Y1381H.
Identifiers: ClinVar variation 53900 (VCV000053900.10), dbSNP rs397508682, ClinGen allele CA327420.

ClinVar aggregate classification (germline): Uncertain significance. Review status: criteria provided, multiple submitters, no conflicts (2 of 4 stars). 5 submissions from 5 submitters: Uncertain significance (3). 2 of the submissions do not count toward it. Last evaluated 2025-09-02.

Conditions:
Cystic fibrosis (CF). Also called: MUCOVISCIDOSIS. Identifiers: Orphanet 586, MedGen C0010674, MONDO:0009061, OMIM 219700. Disease mechanism: loss of function.

Allele frequency attached by ClinVar (database versions not stated): gnomAD exomes below 0.00001.
gnomAD v4.1: 2 of 1,587,084 alleles (0.00013%); highest among the groups gnomAD compares: Non-Finnish European, 0.00017%; no homozygotes.

Submissions (5):

Women's Health and Genetics/Laboratory Corporation of America, LabCorp
Classification: Uncertain significance. Last evaluated: 2025-09-02. Review status: criteria provided, single submitter. Criteria: LabCorp Variant Classification Summary - May 2015. Collection method: clinical testing. Allele origin: germline.
Comment: Variant summary: CFTR c.4141T>C (p.Tyr1381His) results in a conservative amino acid change located in the ABC transporter-like, ATP-binding domain of the encoded protein sequence. Algorithms developed to predict the effect of missense changes on protein structure and function are either unavailable or do not agree on the potential impact of this missense change. The variant allele was found at a frequency of 4e-06 in 249708 control chromosomes. The available data on variant occurrences in the general population are insufficient to allow any conclusion about variant significance.c.4141T>C has been reported in the literature in three individuals who also carried Delta F508: one was a CF patient, another was a healthy carrier with normal sweat chloride levels and the third one was diagnosed with classic CF without secondary reportable variants in CFTR (Sharma_2009, Terlizzi_2019, Prasad_2010). These data do not allow any conclusion about variant significance. At least one publication reports experimental evidence evaluating an impact on protein function. The most pronounced variant effect resulted in approximately (Gt channel conductance) 64% of normal chloride channel conductance relative to wild type (e.g., Bihler_2024). The following publications have been ascertained in the context of this evaluation (PMID: 38388235, 19897426, 21966101, 18782298, 31005549). ClinVar contains an entry for this variant (Variation ID: 53900). Based on the evidence outlined above, the variant was classified as uncertain significance.

Ambry Genetics
Classification: Uncertain significance for Cystic fibrosis. Last evaluated: 2025-03-25. Review status: criteria provided, single submitter. Criteria: Ambry Variant Classification Scheme 2023. Collection method: clinical testing. Allele origin: germline.
Comment: The p.Y1381H variant (also known as c.4141T>C), located in coding exon 26 of the CFTR gene, results from a T to C substitution at nucleotide position 4141. The tyrosine at codon 1381 is replaced by histidine, an amino acid with similar properties. This variant was identified in conjunction with p.F508del in two individuals; one individual was reported to have cystic fibrosis while the other was healthy with normal sweat chloride levels (Sharma N et al. Ann Hum Genet, 2009 Jan;73:26-33; Terlizzi V et al. J Cyst Fibros, 2019 07;18:484-490). This amino acid position is not well conserved in available vertebrate species. In addition, the in silico prediction for this alteration is inconclusive. Based on the available evidence, the clinical significance of this variant remains unclear.

Labcorp Genetics (formerly Invitae), Labcorp
Classification: Uncertain significance for Cystic fibrosis. Last evaluated: 2024-05-08. Review status: criteria provided, single submitter. Criteria: Invitae Variant Classification Sherloc (09022015). Collection method: clinical testing. Allele origin: germline.
Comment: This sequence change replaces tyrosine, which is neutral and polar, with histidine, which is basic and polar, at codon 1381 of the CFTR protein (p.Tyr1381His). This variant is present in population databases (rs397508682, gnomAD 0.0009%). This missense change has been observed in individual(s) with cystic fibrosis (PMID: 18782298). ClinVar contains an entry for this variant (Variation ID: 53900). Advanced modeling of protein sequence and biophysical properties (such as structural, functional, and spatial information, amino acid conservation, physicochemical variation, residue mobility, and thermodynamic stability) performed at Invitae indicates that this missense variant is not expected to disrupt CFTR protein function with a negative predictive value of 80%. In summary, the available evidence is currently insufficient to determine the role of this variant in disease. Therefore, it has been classified as a Variant of Uncertain Significance.

Counsyl
Classification: Uncertain significance for Cystic fibrosis. Last evaluated: 2017-05-02. Review status: no assertion criteria provided. Collection method: clinical testing. Allele origin: unknown. Not counted in ClinVar's aggregate classification.

ClinVar Staff, National Center for Biotechnology Information (NCBI)
No classification provided. Condition: CFTR-related disorders. Review status: no classification provided. Collection method: literature only. Allele origin: germline. Affected: yes. Not counted in ClinVar's aggregate classification.

Literature cited by the submitters: PubMed 19897426 (cited by Women's Health and Genetics/Laboratory Corporation of America, LabCorp); PubMed 18782298 (cited by 5 submitters); PubMed 31005549 (cited by Women's Health and Genetics/Laboratory Corporation of America, LabCorp and Ambry Genetics); PubMed 38388235 (cited by Women's Health and Genetics/Laboratory Corporation of America, LabCorp); PubMed 21966101 (cited by Women's Health and Genetics/Laboratory Corporation of America, LabCorp).